The following is an entry in ClinVar:

ClinVar aggregate classification (germline): Uncertain significance (1 of 4 stars; one submission).

Conditions:
Familial sleep-related hypermotor epilepsy. Also called: Autosomal Dominant Sleep-Related Hypermotor (Hyperkinetic) Epilepsy. Identifiers: Orphanet 98784, MedGen C3696898, MONDO:0000030.

Allele frequency attached by ClinVar (database versions not stated): ExAC 0.00005; gnomAD exomes 0.00001 and below 0.00001; TOPMed 0.00001; gnomAD 0.00001.
gnomAD v4.1: 6 of 1,515,640 alleles (0.0004%); highest among the groups gnomAD compares: African/African-American, 0.0069%; no homozygotes.

Submission:

Labcorp Genetics (formerly Invitae), Labcorp
Classification: Uncertain significance. Last evaluated: 2023-04-17. Review status: criteria provided, single submitter. Criteria: Invitae Variant Classification Sherloc (09022015). Collection method: clinical testing. Allele origin: germline.
Comment: This variant has not been reported in the literature in individuals affected with CHRNA4-related conditions. In summary, the available evidence is currently insufficient to determine the role of this variant in disease. Therefore, it has been classified as a Variant of Uncertain Significance. Advanced modeling of protein sequence and biophysical properties (such as structural, functional, and spatial information, amino acid conservation, physicochemical variation, residue mobility, and thermodynamic stability) performed at Invitae indicates that this missense variant is not expected to disrupt CHRNA4 protein function. ClinVar contains an entry for this variant (Variation ID: 569164). The frequency data for this variant in the population databases is considered unreliable, as metrics indicate poor data quality at this position in the gnomAD database. This sequence change replaces alanine, which is neutral and non-polar, with proline, which is neutral and non-polar, at codon 457 of the CHRNA4 protein (p.Ala457Pro).

NM_000744.7(CHRNA4):c.1369G>C (p.Ala457Pro)

Gene: CHRNA4 (cholinergic receptor nicotinic alpha 4 subunit; minus strand). Cytogenetic location: 20q13.33.
Variant type: single nucleotide variant.
Coding change: c.1369G>C on transcript NM_000744.7 (MANE Select); coding-DNA position 1369, G replaced by C.
Protein change: p.Ala457Pro; replaces alanine 457 with proline.
Molecular consequence: missense variant. On other transcripts: non-coding transcript variant (1).
Genome position (GRCh38, 1-based): chr20:63,350,042, C>G on the plus strand (G>C on the coding strand, the complement: CHRNA4 is on the minus strand). VCF-style: chr20-63350042-C-G. GRCh37 (hg19) VCF-style: chr20-61981394-C-G.
Other names: c.841G>C, p.Ala281Pro (NM_001256573.2); short protein forms A457P, A281P.
Identifiers: ClinVar variation 569164 (VCV000569164.8), dbSNP rs753598324, ClinGen allele CA9957606.